The following is an entry in ClinVar:

NM_000080.4(CHRNE):c.52G>A (p.Gly18Ser)

Genes: C17orf107 (chromosome 17 open reading frame 107; plus strand), CHRNE (cholinergic receptor nicotinic epsilon subunit; minus strand). Cytogenetic location: 17p13.2.
Variant type: single nucleotide variant.
Coding change: c.52G>A on transcript NM_000080.4 (MANE Select); coding-DNA position 52, G replaced by A.
Protein change: p.Gly18Ser; replaces glycine 18 with serine.
Molecular consequence: missense variant. On other transcripts: 3 prime UTR variant (1).
Genome position (GRCh38, 1-based): chr17:4,902,758, C>T on the plus strand (G>A on the coding strand, the complement: CHRNE is on the minus strand). VCF-style: chr17-4902758-C-T. GRCh37 (hg19) VCF-style: chr17-4806053-C-T.
Other names: c.*2225C>T (NM_001145536.2); short protein forms G18S.
Identifiers: ClinVar variation 1024516 (VCV001024516.8), dbSNP rs1970033624, ClinGen allele CA397307973.

ClinVar aggregate classification (germline): Uncertain significance (1 of 4 stars; one submission).

Conditions:
Congenital myasthenic syndrome 4A. Also called: Myasthenic syndrome, congenital, 4a, slow-channel; MYASTHENIC SYNDROME, CONGENITAL, 4A, SLOW-CHANNEL, AUTOSOMAL RECESSIVE; CONGENITAL MYASTHENIC SYNDROME TYPE Ia1. Identifiers: Orphanet 590, MedGen C4225413, MONDO:0011600, OMIM 605809.

Allele frequency attached by ClinVar (database versions not stated): gnomAD exomes below 0.00001.

Submission:

Labcorp Genetics (formerly Invitae), Labcorp
Classification: Uncertain significance for Congenital myasthenic syndrome 4A. Last evaluated: 2023-05-07. Review status: criteria provided, single submitter. Criteria: Invitae Variant Classification Sherloc (09022015). Collection method: clinical testing. Allele origin: germline.
Comment: In summary, the available evidence is currently insufficient to determine the role of this variant in disease. Therefore, it has been classified as a Variant of Uncertain Significance. Advanced modeling of protein sequence and biophysical properties (such as structural, functional, and spatial information, amino acid conservation, physicochemical variation, residue mobility, and thermodynamic stability) performed at Invitae indicates that this missense variant is not expected to disrupt CHRNE protein function. ClinVar contains an entry for this variant (Variation ID: 1024516). This variant has not been reported in the literature in individuals affected with CHRNE-related conditions. This variant is not present in population databases (gnomAD no frequency). This sequence change replaces glycine, which is neutral and non-polar, with serine, which is neutral and polar, at codon 18 of the CHRNE protein (p.Gly18Ser).